The following is an entry in ClinVar:

NM_033109.5(PNPT1):c.2335T>C (p.Ser779Pro)

Gene: PNPT1 (polyribonucleotide nucleotidyltransferase 1; minus strand). Cytogenetic location: 2p16.1.
Variant type: single nucleotide variant.
Coding change: c.2335T>C on transcript NM_033109.5 (MANE Select); coding-DNA position 2335, T replaced by C.
Protein change: p.Ser779Pro; replaces serine 779 with proline.
Molecular consequence: missense variant.
Genome position (GRCh38, 1-based): chr2:55,636,254, A>G on the plus strand (T>C on the coding strand, the complement: PNPT1 is on the minus strand). VCF-style: chr2-55636254-A-G. GRCh37 (hg19) VCF-style: chr2-55863389-A-G.
Other names: short protein forms S779P.
Identifiers: ClinVar variation 1387511 (VCV001387511.7), dbSNP rs201498158, ClinGen allele CA1667717.

ClinVar aggregate classification (germline): Uncertain significance. Review status: criteria provided, multiple submitters, no conflicts (2 of 4 stars). 2 submissions from 2 submitters: Uncertain significance (2). Last evaluated 2022-08-09.

Allele frequency attached by ClinVar (database versions not stated): TOPMed below 0.00001; gnomAD exomes 0.00001 and 0.00002; gnomAD 0.00002; ExAC 0.00007.
gnomAD v4.1: 19 of 1,610,554 alleles (0.0012%); highest among the groups gnomAD compares: Non-Finnish European, 0.00017%; no homozygotes.

Submissions (2):

Labcorp Genetics (formerly Invitae), Labcorp
Classification: Uncertain significance. Last evaluated: 2022-08-09. Review status: criteria provided, single submitter. Criteria: Invitae Variant Classification Sherloc (09022015). Collection method: clinical testing. Allele origin: germline.
Comment: In summary, the available evidence is currently insufficient to determine the role of this variant in disease. Therefore, it has been classified as a Variant of Uncertain Significance. Algorithms developed to predict the effect of missense changes on protein structure and function (SIFT, PolyPhen-2, Align-GVGD) all suggest that this variant is likely to be tolerated. ClinVar contains an entry for this variant (Variation ID: 1387511). This variant has not been reported in the literature in individuals affected with PNPT1-related conditions. This variant is present in population databases (rs201498158, gnomAD 0.04%). This sequence change replaces serine, which is neutral and polar, with proline, which is neutral and non-polar, at codon 779 of the PNPT1 protein (p.Ser779Pro).

Blueprint Genetics
Classification: Uncertain significance. Last evaluated: 2020-11-11. Review status: criteria provided, single submitter. Criteria: ACMG Guidelines, 2015. Collection method: clinical testing. Allele origin: germline.